The following is an entry in ClinVar:

NM_000090.4(COL3A1):c.2366G>C (p.Gly789Ala)

Genes: COL3A1 (collagen type III alpha 1 chain; plus strand), LOC126806446 (P300/CBP strongly-dependent group 1 enhancer GRCh37_chr2:189866210-189867409; plus strand). Cytogenetic location: 2q32.2.
Variant type: single nucleotide variant.
Coding change: c.2366G>C on transcript NM_000090.4 (MANE Select); coding-DNA position 2366, G replaced by C.
Protein change: p.Gly789Ala; replaces glycine 789 with alanine.
Molecular consequence: missense variant.
Genome position (GRCh38, 1-based): chr2:189,001,564, G>C. VCF-style: chr2-189001564-G-C. GRCh37 (hg19) VCF-style: chr2-189866290-G-C.
Other names: short protein forms G789A.
Identifiers: ClinVar variation 3768977 (VCV003768977.4).

ClinVar aggregate classification (germline): Likely pathogenic. Review status: criteria provided, multiple submitters, no conflicts (2 of 4 stars). 3 submissions from 3 submitters: Likely pathogenic (3). Last evaluated 2025-10-21.

Conditions:
Ehlers-Danlos syndrome, type 4 (EDSVASC). Also called: Ehlers-Danlos syndrome vascular type; Ehlers Danlos syndrome, ecchymotic type; Ehlers Danlos syndrome, arterial type; Ehlers Danlos syndrome, Sack-Barabas type; Ehlers-Danlos Syndrome Type IV. Identifiers: Orphanet 286, MedGen C0268338, MONDO:0017314, OMIM 130050.
Polymicrogyria with or without vascular-type Ehlers-Danlos syndrome. Identifiers: Orphanet 636941, MedGen C5193040, MONDO:0032688, OMIM 618343.

Submissions (3):

Women's Health and Genetics/Laboratory Corporation of America, LabCorp
Classification: Likely pathogenic for Polymicrogyria with or without vascular-type Ehlers-Danlos syndrome. Last evaluated: 2025-10-21. Review status: criteria provided, single submitter. Criteria: LabCorp Variant Classification Summary - May 2015. Collection method: clinical testing. Allele origin: germline.
Comment: Variant summary: COL3A1 c.2366G>C (p.Gly789Ala) results in a non-conservative amino acid change in the encoded protein sequence. This variant disrupts the triple helix domain of COL3A1. Glycine residues within the Gly-X-Y repeats of the triple helix domain are required for the structure and stability of fibrillar collagens (PMID: 7695699, 8218237, 19344236). In COL3A1, variants that affect these glycine residues are significantly enriched in individuals with disease (PMID: 24922459, 25758994) compared to the general population (ExAC). Algorithms developed to predict the effect of missense changes on protein structure and function all suggest that this variant is likely to be disruptive. The variant was absent in 251476 control chromosomes. To our knowledge, no occurrence of c.2366G>C in individuals affected with COL3A1-related conditions and no experimental evidence demonstrating its impact on protein function have been reported. ClinVar contains an entry for this variant (Variation ID: 3768977). Based on the evidence outlined above, the variant was classified as likely pathogenic.

GeneDx
Classification: Likely pathogenic. Last evaluated: 2025-06-09. Review status: criteria provided, single submitter. Criteria: GeneDx Variant Classification Process June 2021. Collection method: clinical testing. Allele origin: germline. Affected: yes.
Comment: Occurs in the triple helical domain and replaces the glycine in the canonical Gly-X-Y repeat; missense substitution of a canonical glycine residue is expected to disrupt normal protein folding and function, and this is an established mechanism of disease (HGMD); Not observed at significant frequency in large population cohorts (gnomAD); In silico analysis supports that this missense variant has a deleterious effect on protein structure/function; Has not been previously published as pathogenic or benign to our knowledge

Labcorp Genetics (formerly Invitae), Labcorp
Classification: Likely pathogenic for Ehlers-Danlos syndrome, type 4. Last evaluated: 2025-03-14. Review status: criteria provided, single submitter. Criteria: Invitae Variant Classification Sherloc (09022015). Collection method: clinical testing. Allele origin: germline.
Comment: This sequence change replaces glycine, which is neutral and non-polar, with alanine, which is neutral and non-polar, at codon 789 of the COL3A1 protein (p.Gly789Ala). This variant is not present in population databases (gnomAD no frequency). This variant has not been reported in the literature in individuals affected with COL3A1-related conditions. Invitae Evidence Modeling of protein sequence and biophysical properties (such as structural, functional, and spatial information, amino acid conservation, physicochemical variation, residue mobility, and thermodynamic stability) indicates that this missense variant is expected to disrupt COL3A1 protein function with a positive predictive value of 95%. This variant disrupts the triple helix domain of COL3A1. Glycine residues within the Gly-Xaa-Yaa repeats of the triple helix domain are required for the structure and stability of fibrillar collagens (PMID: 7695699, 8218237, 19344236). In COL3A1, variants that affect these glycine residues are significantly enriched in individuals with disease (PMID: 24922459, 25758994) compared to the general population (ExAC). In summary, the currently available evidence indicates that the variant is pathogenic, but additional data are needed to prove that conclusively. Therefore, this variant has been classified as Likely Pathogenic.

Literature cited by the submitters: PubMed 7695699 (cited by Labcorp Genetics (formerly Invitae), Labcorp); PubMed 8218237 (cited by Labcorp Genetics (formerly Invitae), Labcorp); PubMed 19344236 (cited by Labcorp Genetics (formerly Invitae), Labcorp); PubMed 24922459 (cited by Labcorp Genetics (formerly Invitae), Labcorp); PubMed 25758994 (cited by Labcorp Genetics (formerly Invitae), Labcorp).